The following is an entry in ClinVar:

ClinVar aggregate classification (germline): Pathogenic/Likely pathogenic. Review status: criteria provided, multiple submitters, no conflicts (2 of 4 stars). 4 submissions from 4 submitters: Pathogenic (3); Likely pathogenic (1). Last evaluated 2023-08-10.

Conditions:
Hereditary nonpolyposis colorectal neoplasms. Identifiers: MedGen C0009405, MeSH D003123.
Lynch syndrome 5 (LYNCH5). Also called: Colorectal cancer, hereditary nonpolyposis, type 5; Hereditary non-polyposis colorectal cancer, type 5. Identifiers: Orphanet 144, MedGen C1833477, MONDO:0013710, OMIM 614350. Disease mechanism: loss of function.
Lynch syndrome. Identifiers: Orphanet 144, MedGen C4552100, MONDO:0005835. Disease mechanism: loss of function.
Hereditary cancer-predisposing syndrome. Also called: Neoplastic Syndromes, Hereditary; Tumor predisposition; Hereditary neoplastic syndrome; Hereditary Cancer Syndrome. Identifiers: Orphanet 140162, MedGen C0027672, MeSH D009386, MONDO:0015356.

Allele frequency attached by ClinVar (database versions not stated): gnomAD exomes below 0.00001.

Submissions (4):

Myriad Genetics, Inc.
Classification: Pathogenic for Lynch syndrome 5. Last evaluated: 2023-08-10. Review status: criteria provided, single submitter. Criteria: Myriad Autosomal Dominant, Autosomal Recessive and X-Linked Classification Criteria (2023). Collection method: clinical testing. Allele origin: unknown.
Comment: This variant is considered pathogenic. This variant creates a frameshift predicted to result in premature protein truncation.

Labcorp Genetics (formerly Invitae), Labcorp
Classification: Pathogenic for Hereditary nonpolyposis colorectal neoplasms. Last evaluated: 2022-04-13. Review status: criteria provided, single submitter. Criteria: Invitae Variant Classification Sherloc (09022015). Collection method: clinical testing. Allele origin: germline.
Comment: For these reasons, this variant has been classified as Pathogenic. ClinVar contains an entry for this variant (Variation ID: 827041). This variant has not been reported in the literature in individuals affected with MSH6-related conditions. This variant is not present in population databases (gnomAD no frequency). This sequence change creates a premature translational stop signal (p.Arg248Profs*8) in the MSH6 gene. It is expected to result in an absent or disrupted protein product. Loss-of-function variants in MSH6 are known to be pathogenic (PMID: 18269114, 24362816).

Ambry Genetics
Classification: Pathogenic for Hereditary cancer-predisposing syndrome. Last evaluated: 2019-08-27. Review status: criteria provided, single submitter. Criteria: Ambry Variant Classification Scheme 2023. Collection method: clinical testing. Allele origin: germline.
Comment: The c.742dupC pathogenic mutation, located in coding exon 4 of the MSH6 gene, results from a duplication of C at nucleotide position 742, causing a translational frameshift with a predicted alternate stop codon (p.R248Pfs*8). This alteration is expected to result in loss of function by premature protein truncation or nonsense-mediated mRNA decay. As such, this alteration is interpreted as a disease-causing mutation.

Laboratory for Molecular Medicine, Mass General Brigham Personalized Medicine
Classification: Likely pathogenic for Lynch syndrome. Last evaluated: 2019-05-08. Review status: criteria provided, single submitter. Criteria: ACMG Guidelines, 2015. Collection method: clinical testing. Allele origin: germline.
Comment: The p.Arg248ProfsX8 variant in MSH6 has not been previously reported in individuals with Lynch syndrome and was absent from large population studies. This variant is predicted to cause a frameshift, which alters the protein’s amino acid sequence beginning at position 248 and leads to a premature termination codon 8 amino acids downstream. This alteration is then predicted to lead to a truncated or absent protein. Heterozygous loss of function of the MSH6 gene is an established disease mechanism in individuals with autosomal dominant Lynch syndrome. In summary, although additional studies are required to fully establish its clinical significance, the p.Arg248ProfsX8 variant meets criteria to be classified as likely pathogenic for autosomal dominant Lynch syndrome. ACMG/AMP Criteria applied: PVS1; PM2.

Literature cited by the submitters: PubMed 18269114 (cited by Labcorp Genetics (formerly Invitae), Labcorp); PubMed 24362816 (cited by Labcorp Genetics (formerly Invitae), Labcorp).

NM_000179.3(MSH6):c.742dup (p.Arg248fs)

Gene: MSH6 (mutS homolog 6; plus strand). Cytogenetic location: 2p16.3.
Variant type: Duplication.
Coding change: c.742dup on transcript NM_000179.3 (MANE Select); coding-DNA position 742, one base duplicated (C; older notation c.742dupC).
Protein change: p.Arg248fs; shifts the reading frame from arginine 248.
Molecular consequence: frameshift variant. On other transcripts: 5 prime UTR variant (2).
Genome position (GRCh38, 1-based): chr2:47,798,725, C duplicated. VCF-style (leftmost placement, unchanged base first): chr2-47798724-A-AC. GRCh37 (hg19) VCF-style: chr2-48025863-A-AC.
Other names: c.352dup, p.Arg118fs (NM_001281492.2); c.-165dup (NM_001281493.2, NM_001281494.2); short protein forms R248fs, R118fs.
Identifiers: ClinVar variation 827041 (VCV000827041.12), dbSNP rs1572720192, ClinGen allele CA915943801.
Genomic context (GRCh38, chr2:47,798,724, plus strand): 5'-TGAAGAGGAAGTACAGCCTAAGACACAAGGATCTAGGCGAAGTAGCCGCCAAATAAAAAA[A>AC]CGAAGGGTCATATCAGATTCTGAGAGTGACATTGGTGGCTCTGATGTGGAATTTAAGCCA-3'